The following is an entry in ClinVar:

NM_000302.4(PLOD1):c.302+5G>A

Gene: PLOD1 (procollagen-lysine,2-oxoglutarate 5-dioxygenase 1; plus strand). Cytogenetic location: 1p36.22.
Variant type: single nucleotide variant.
Coding change: c.302+5G>A on transcript NM_000302.4 (MANE Select); 5 bases into the intron after coding-DNA position 302, G replaced by A.
Molecular consequence: intron variant.
Genome position (GRCh38, 1-based): chr1:11,949,911, G>A. VCF-style: chr1-11949911-G-A. GRCh37 (hg19) VCF-style: chr1-12009968-G-A.
Other names: c.443+5G>A (NM_001316320.2).
Identifiers: ClinVar variation 583378 (VCV000583378.8), dbSNP rs749607584, ClinGen allele CA597853.

ClinVar aggregate classification (germline): Uncertain significance. Review status: criteria provided, multiple submitters, no conflicts (2 of 4 stars). 3 submissions from 3 submitters: Uncertain significance (3). Last evaluated 2020-03-05.

Conditions:
Ehlers-Danlos syndrome, kyphoscoliotic type 1 (EDSKSCL1). Also called: PLOD1-Related Kyphoscoliotic Ehlers-Danlos Syndrome; Ehlers-Danlos syndrome, hydroxylysine-deficient; EHLERS-DANLOS SYNDROME, OCULAR-SCOLIOTIC TYPE; EHLERS-DANLOS SYNDROME, TYPE VIA. Identifiers: Orphanet 1900, MedGen C0268342, MONDO:0016002, OMIM 225400. Disease mechanism: loss of function.

Allele frequency attached by ClinVar (database versions not stated): ExAC 0.00001; gnomAD 0.00002; TOPMed 0.00002.
gnomAD v4.1: 59 of 1,613,832 alleles (0.0037%); highest among the groups gnomAD compares: Middle Eastern, 0.033%; no homozygotes.

Submissions (3):

Labcorp Genetics (formerly Invitae), Labcorp
Classification: Uncertain significance for Ehlers-Danlos syndrome, kyphoscoliotic type 1. Last evaluated: 2020-03-05. Review status: criteria provided, single submitter. Criteria: Invitae Variant Classification Sherloc (09022015). Collection method: clinical testing. Allele origin: germline.
Comment: This sequence change falls in intron 3 of the PLOD1 gene. It does not directly change the encoded amino acid sequence of the PLOD1 protein, but it affects a nucleotide within the consensus splice site of the intron. This variant is present in population databases (rs749607584, ExAC 0.01%). This variant has not been reported in the literature in individuals with PLOD1-related disease. Nucleotide substitutions within the consensus splice site are a relatively common cause of aberrant splicing (PMID: 17576681, 9536098). Algorithms developed to predict the effect of sequence changes on RNA splicing suggest that this variant may disrupt the consensus splice site, but this prediction has not been confirmed by published transcriptional studies. In summary, the available evidence is currently insufficient to determine the role of this variant in disease. Therefore, it has been classified as a Variant of Uncertain Significance.

Illumina Laboratory Services, Illumina
Classification: Uncertain significance for Ehlers-Danlos syndrome, kyphoscoliotic type 1. Last evaluated: 2018-01-12. Review status: criteria provided, single submitter. Criteria: ICSL Variant Classification Criteria 13 December 2019. Collection method: clinical testing. Allele origin: germline.

Breakthrough Genomics
Classification: Uncertain significance. Review status: criteria provided, single submitter. Criteria: ACMG Guidelines, 2015. Collection method: not provided. Allele origin: germline. Inheritance: Autosomal recessive inheritance. Affected: yes.

Literature cited by the submitters: PubMed 17576681 (cited by Labcorp Genetics (formerly Invitae), Labcorp); PubMed 9536098 (cited by Labcorp Genetics (formerly Invitae), Labcorp).